The following is an entry in ClinVar:

ClinVar aggregate classification (germline): Uncertain significance (1 of 4 stars; one submission).

Conditions:
Capillary malformation-arteriovenous malformation syndrome. Also called: Capillary malformation-arteriovenous malformation. Identifiers: Orphanet 137667, MedGen C1842180, MONDO:0012016.

Allele frequency attached by ClinVar (database versions not stated): TOPMed 0.00001; gnomAD 0.00001; gnomAD exomes below 0.00001.
gnomAD v4.1: 3 of 1,613,858 alleles (0.00019%); highest among the groups gnomAD compares: African/African-American, 0.0013%; no homozygotes.

Submission:

Labcorp Genetics (formerly Invitae), Labcorp
Classification: Uncertain significance for Capillary malformation-arteriovenous malformation syndrome. Last evaluated: 2024-06-30. Review status: criteria provided, single submitter. Criteria: Invitae Variant Classification Sherloc (09022015). Collection method: clinical testing. Allele origin: germline.
Comment: This sequence change replaces arginine, which is basic and polar, with glutamine, which is neutral and polar, at codon 709 of the RASA1 protein (p.Arg709Gln). This variant is present in population databases (no rsID available, gnomAD 0.01%). This variant has not been reported in the literature in individuals affected with RASA1-related conditions. ClinVar contains an entry for this variant (Variation ID: 2086144). An algorithm developed to predict the effect of missense changes on protein structure and function (PolyPhen-2) suggests that this variant is likely to be disruptive. In summary, the available evidence is currently insufficient to determine the role of this variant in disease. Therefore, it has been classified as a Variant of Uncertain Significance.

NM_002890.3(RASA1):c.2126G>A (p.Arg709Gln)

Genes: CCNH (cyclin H; minus strand), RASA1 (RAS p21 protein activator 1; plus strand). Cytogenetic location: 5q14.3.
Variant type: single nucleotide variant.
Coding change: c.2126G>A on transcript NM_002890.3 (MANE Select); coding-DNA position 2126, G replaced by A.
Protein change: p.Arg709Gln; replaces arginine 709 with glutamine.
Molecular consequence: missense variant. On other transcripts: intron variant (1).
Genome position (GRCh38, 1-based): chr5:87,376,507, G>A. VCF-style: chr5-87376507-G-A. GRCh37 (hg19) VCF-style: chr5-86672324-G-A.
Other names: c.1595G>A, p.Arg532Gln (NM_022650.3); c.933+18537C>T (NM_001364075.2); short protein forms R532Q, R709Q.
Identifiers: ClinVar variation 2086144 (VCV002086144.3), dbSNP rs976081140, ClinGen allele CA121812760.
Genomic context (GRCh38, chr5:87,376,507, plus strand): 5'-GGTTTCTGCTCAGCTCCCATATACCATTAAAAGGTATTGAACCAGGGTCCCTGCGTGTTC[G>A]AGCACGATACTCTATGGAAAAAATCATGCCAGAAGAAGAGTACAGTGAATTTAAAGAGGT-3'
Protein context (NP_002881.1, residues 699-719): KGIEPGSLRV[Arg709Gln]ARYSMEKIMP